The following is an entry in ClinVar:

NM_001364905.1(LRBA):c.1135A>G (p.Ile379Val)

Gene: LRBA (LPS responsive beige-like anchor protein; minus strand). Cytogenetic location: 4q31.3.
Variant type: single nucleotide variant.
Coding change: c.1135A>G on transcript NM_001364905.1 (MANE Select); coding-DNA position 1135, A replaced by G.
Protein change: p.Ile379Val; replaces isoleucine 379 with valine.
Molecular consequence: missense variant.
Genome position (GRCh38, 1-based): chr4:150,914,221, T>C on the plus strand (A>G on the coding strand, the complement: LRBA is on the minus strand). VCF-style: chr4-150914221-T-C. GRCh37 (hg19) VCF-style: chr4-151835373-T-C.
Other names: c.1135A>G, p.Ile379Val (NM_001199282.3, NM_001367550.1, NM_006726.5); short protein forms I379V.
Identifiers: ClinVar variation 1013809 (VCV001013809.8), dbSNP rs753000515, ClinGen allele CA3103668.

ClinVar aggregate classification (germline): Uncertain significance (1 of 4 stars; one submission).

Conditions:
Combined immunodeficiency due to LRBA deficiency. Also called: Common variable immunodeficiency 8, with autoimmunity. Identifiers: Orphanet 445018, MedGen C3553512, MONDO:0013863, OMIM 614700.

Allele frequency attached by ClinVar (database versions not stated): gnomAD exomes below 0.00001; ExAC 0.00001.
gnomAD v4.1: 5 of 1,608,368 alleles (0.00031%); highest among the groups gnomAD compares: Non-Finnish European, 0.00042%; no homozygotes.

Submission:

Labcorp Genetics (formerly Invitae), Labcorp
Classification: Uncertain significance for Combined immunodeficiency due to LRBA deficiency. Last evaluated: 2020-06-26. Review status: criteria provided, single submitter. Criteria: Invitae Variant Classification Sherloc (09022015). Collection method: clinical testing. Allele origin: germline.
Comment: In summary, the available evidence is currently insufficient to determine the role of this variant in disease. Therefore, it has been classified as a Variant of Uncertain Significance. Algorithms developed to predict the effect of missense changes on protein structure and function output the following: SIFT: "Tolerated"; PolyPhen-2: "Benign"; Align-GVGD: "Class C0". The valine amino acid residue is found in multiple mammalian species, suggesting that this missense change does not adversely affect protein function. These predictions have not been confirmed by published functional studies and their clinical significance is uncertain. This variant has not been reported in the literature in individuals with LRBA-related conditions. This variant is present in population databases (rs753000515, ExAC 0.001%). This sequence change replaces isoleucine with valine at codon 379 of the LRBA protein (p.Ile379Val). The isoleucine residue is weakly conserved and there is a small physicochemical difference between isoleucine and valine.